The following is an entry in ClinVar:

NM_000138.5(FBN1):c.5582G>A (p.Ser1861Asn)

Gene: FBN1 (fibrillin 1; minus strand). Cytogenetic location: 15q21.1.
Variant type: single nucleotide variant.
Coding change: c.5582G>A on transcript NM_000138.5 (MANE Select); coding-DNA position 5582, G replaced by A.
Protein change: p.Ser1861Asn; replaces serine 1861 with asparagine.
Molecular consequence: missense variant.
Genome position (GRCh38, 1-based): chr15:48,448,857, C>T on the plus strand (G>A on the coding strand, the complement: FBN1 is on the minus strand). VCF-style: chr15-48448857-C-T. GRCh37 (hg19) VCF-style: chr15-48741054-C-T.
Other names: short protein forms S1861N.
Identifiers: ClinVar variation 406289 (VCV000406289.19), dbSNP rs766358553, ClinGen allele CA055263.
Genomic context (GRCh38, chr15:48,448,857, plus strand): 5'-TTAAAACCAGTGTGGCAAAGGCAATAAAAGCTTCCAACTGTGTCAATGCACTGCCCATGA[C>T]TGCATATATTGGGGATTTCTTGACATTCATTACGATCTGTAAATAAGAAGCATCTTAAGT-3'
Protein context (NP_000129.3, residues 1851-1871): NECQEIPNIC[Ser1861Asn]HGQCIDTVGS

ClinVar aggregate classification (germline): Conflicting classifications of pathogenicity. Review status: criteria provided, conflicting classifications (1 of 4 stars). 6 submissions from 6 submitters: Uncertain significance (5); Benign (1). Last evaluated 2025-08-20.

Conditions:
Marfan syndrome (MFS). Also called: Marfan syndrome, classic; Marfan syndrome type 1; Marfan's syndrome; MARFAN SYNDROME, TYPE I; FBN1-Related Marfan Syndrome. Identifiers: Orphanet 284963, Orphanet 558, MedGen C0024796, MONDO:0007947, OMIM 154700.
Familial thoracic aortic aneurysm and aortic dissection (TAAD). Also called: Thoracic aortic aneurysms and dissections. Identifiers: Orphanet 91387, MedGen C4707243, MONDO:0019625.
Geleophysic dysplasia 2 (GPHYSD2). Identifiers: Orphanet 2623, MedGen C3280054, MONDO:0013612, OMIM 614185.
Ectopia lentis 1, isolated, autosomal dominant (ECTOL1). Identifiers: Orphanet 1885, MedGen C3541518, MONDO:0007514, OMIM 129600.
Weill-Marchesani syndrome 2, dominant. Also called: FBN1-Related Weill-Marchesani Syndrome; Weill-Marchesani Syndrome, Autosomal Dominant. Identifiers: Orphanet 2084, MedGen C1869115, MONDO:0012013, OMIM 608328.
MASS syndrome (OCTD). Also called: OVERLAP CONNECTIVE TISSUE DISEASE; MASS PHENOTYPE. Identifiers: MedGen C1858556, MONDO:0011431, OMIM 604308.
Stiff skin syndrome (SSKS). Identifiers: Orphanet 2833, MedGen C1861456, MONDO:0008492, OMIM 184900.
Progeroid and marfanoid aspect-lipodystrophy syndrome. Also called: MARFANOID-PROGEROID SYNDROME; MARFAN-PROGEROID-LIPODYSTROPHY SYNDROME; Marfan lipodystrophy syndrome; MARFANOID-PROGEROID-LIPODYSTROPHY SYNDROME. Identifiers: Orphanet 300382, MedGen C4310796, MONDO:0014831, OMIM 616914.
Acromicric dysplasia (ACMICD). Also called: Acromicric skeletal dysplasia. Identifiers: Orphanet 969, MedGen C0265287, MONDO:0007055, OMIM 102370.

Allele frequency attached by ClinVar (database versions not stated): gnomAD exomes 0.00001 and 0.00002; ExAC 0.00003; gnomAD 0.00001; TOPMed 0.00001.
gnomAD v4.1: 18 of 1,611,762 alleles (0.0011%); highest among the groups gnomAD compares: Non-Finnish European, 0.0011%; no homozygotes.

Submissions (6):

Color Diagnostics, LLC DBA Color Health
Classification: Uncertain significance for Familial thoracic aortic aneurysm and aortic dissection. Last evaluated: 2025-08-20. Review status: criteria provided, single submitter. Criteria: ACMG Guidelines, 2015. Collection method: clinical testing. Allele origin: germline.
Comment: This missense variant replaces serine with asparagine at codon 1861 of the FBN1 protein. Computational prediction tool suggests that this variant may not impact protein structure and function. To our knowledge, functional studies have not been reported for this variant. This variant has been reported in an individual suspected of having Marfan syndrome or related fibrillinopathy (PMID: 31163209). This variant has also been identified in 4/250868 chromosomes in the general population by the Genome Aggregation Database (gnomAD). The available evidence is insufficient to determine the role of this variant in disease conclusively. Therefore, this variant is classified as a Variant of Uncertain Significance.

Labcorp Genetics (formerly Invitae), Labcorp
Classification: Benign for Marfan syndrome; Familial thoracic aortic aneurysm and aortic dissection. Last evaluated: 2025-06-04. Review status: criteria provided, single submitter. Criteria: Invitae Variant Classification Sherloc (09022015). Collection method: clinical testing. Allele origin: germline.

All of Us Research Program, National Institutes of Health
Classification: Uncertain significance for Marfan syndrome. Last evaluated: 2023-06-28. Review status: criteria provided, single submitter. Criteria: ACMG Guidelines, 2015. Collection method: clinical testing. Allele origin: germline. Inheritance: Autosomal dominant inheritance. Observed: 1 variant allele, 1 heterozygote.
Comment: This missense variant replaces serine with asparagine at codon 1861 of the FBN1 protein. Computational prediction tool suggests that this variant may not impact protein structure and function (internally defined REVEL score threshold <=0.5, PMID: 27666373). Splice site prediction tools suggest that this variant may not impact RNA splicing. To our knowledge, functional studies have not been performed for this variant. This variant has been reported in an individual affected with suspected Marfan syndrome or related fibrillinopathy (PMID: 31163209). This variant has also been identified in 4/250868 chromosomes in the general population by the Genome Aggregation Database (gnomAD). The available evidence is insufficient to determine the role of this variant in disease conclusively. Therefore, this variant is classified as a Variant of Uncertain Significance.

This study involves interpretation of variants in research participants for the purpose of population health screening. Participant phenotype was not available at the time of variant classification. Additional details can be found in publication PMID: 35346344, PMCID: PMC8962531

Fulgent Genetics
Classification: Uncertain significance for Acromicric dysplasia; Ectopia lentis 1, isolated, autosomal dominant; Marfan syndrome; Stiff skin syndrome; MASS syndrome; Weill-Marchesani syndrome 2, dominant; Geleophysic dysplasia 2; Progeroid and marfanoid aspect-lipodystrophy syndrome. Last evaluated: 2022-04-05. Review status: criteria provided, single submitter. Criteria: ACMG Guidelines, 2015. Collection method: clinical testing. Allele origin: unknown.

Illumina Laboratory Services, Illumina
Classification: Uncertain significance for Marfan syndrome. Last evaluated: 2020-01-22. Review status: criteria provided, single submitter. Criteria: ICSLVariantClassificationCriteria RUGD 01 April 2020. Collection method: clinical testing. Allele origin: unknown.
Comment: The FBN1 c.5582G>A (p.Ser1861Asn) variant is a missense variant that has been reported in one study in which it was identified in a heterozygous state in one individual suspected of having Marfan syndrome but with insufficient clinical evidence for a confirmed diagnosis (Madar et al. 2019). The p.Ser1861Asn variant is reported at a frequency of 0.000026 in the European (non-Finnish) population of the Genome Aggregation Database. The Ser1861 residue is located in one of the 47 calcium-binding EGF-like domains of the fibrillin-1 protein. Based on the limited evidence, the p.Ser1861Asn variant is classified as a variant of unknown significance for Marfan syndrome.

GeneDx
Classification: Uncertain significance. Last evaluated: 2019-09-03. Review status: criteria provided, single submitter. Criteria: GeneDx Variant Classification Process June 2021. Collection method: clinical testing. Allele origin: germline. Affected: yes.
Comment: Has not been previously published as pathogenic or benign to our knowledge; Not observed at a significant frequency in large population cohorts (Lek et al., 2016); In silico analysis, which includes protein predictors and evolutionary conservation, supports that this variant does not alter protein structure/function; Although located in a calcium-binding EGF-like domain of the FBN1 gene, it does not affect a cysteine residue within this domain; cysteine substitutions in the calcium-binding EGF-like domains represent the majority of pathogenic missense changes associated with FBN1-related disorders (Collod-Beroud et al., 2003); Reported in ClinVar but additional evidence is not available (ClinVar Variant ID# 406289; Landrum et al., 2016); This variant is associated with the following publications: (PMID: 31163209)

Literature cited by the submitters: PubMed 31163209 (cited by 3 submitters).